The following is an entry in ClinVar:

ClinVar aggregate classification (germline): Uncertain significance (1 of 4 stars; one submission).

Submission:

Labcorp Genetics (formerly Invitae), Labcorp
Classification: Uncertain significance. Last evaluated: 2026-01-05. Review status: criteria provided, single submitter. Criteria: Invitae Variant Classification Sherloc (09022015). Collection method: clinical testing. Allele origin: germline.
Comment: This sequence change affects a donor splice site in intron 14 of the MYH7B gene. It is expected to disrupt RNA splicing. Variants that disrupt the donor or acceptor splice site typically lead to a loss of protein function (PMID: 16199547), however the current clinical and genetic evidence is not sufficient to establish whether loss-of-function variants in MYH7B cause disease. This variant is not present in population databases (gnomAD no frequency). This variant has not been reported in the literature in individuals affected with MYH7B-related conditions. Algorithms developed to predict the effect of sequence changes on RNA splicing suggest that this variant may disrupt the consensus splice site. In summary, the available evidence is currently insufficient to determine the role of this variant in disease. Therefore, it has been classified as a Variant of Uncertain Significance.

Literature cited by the submitters: PubMed 16199547.

NM_020884.7(MYH7B):c.904+1G>C

Gene: MYH7B (myosin heavy chain 7B; plus strand). Cytogenetic location: 20q11.22.
Variant type: single nucleotide variant.
Coding change: c.904+1G>C on transcript NM_020884.7 (MANE Select); the canonical splice donor site of the intron after coding-DNA position 904, G replaced by C.
Molecular consequence: splice donor variant.
Genome position (GRCh38, 1-based): chr20:34,986,199, G>C. VCF-style: chr20-34986199-G-C. GRCh37 (hg19) VCF-style: chr20-33574002-G-C.
Identifiers: ClinVar variation 4713199 (VCV004713199.1).